The following is an entry in ClinVar:

NM_145207.3(AFG2A):c.1842G>A (p.Met614Ile)

Gene: AFG2A (AFG2 AAA ATPase homolog A; plus strand). Cytogenetic location: 4q28.1.
Variant type: single nucleotide variant.
Coding change: c.1842G>A on transcript NM_145207.3 (MANE Select); coding-DNA position 1842, G replaced by A.
Protein change: p.Met614Ile; replaces methionine 614 with isoleucine.
Molecular consequence: missense variant.
Genome position (GRCh38, 1-based): chr4:122,979,359, G>A. VCF-style: chr4-122979359-G-A. GRCh37 (hg19) VCF-style: chr4-123900514-G-A.
Other names: c.1839G>A, p.Met613Ile (NM_001317799.2, NM_001345856.2); short protein forms M613I, M614I.
Identifiers: ClinVar variation 2198316 (VCV002198316.1), dbSNP rs147630050, ClinGen allele CA3070553.

ClinVar aggregate classification (germline): Uncertain significance (1 of 4 stars; one submission).

Conditions:
Microcephaly-intellectual disability-sensorineural hearing loss-epilepsy-abnormal muscle tone syndrome (NEDHSB). Also called: NEURODEVELOPMENTAL DISORDER WITH HEARING LOSS, SEIZURES, AND BRAIN ABNORMALITIES. Identifiers: Orphanet 457351, MedGen C4225276, MONDO:0014698, OMIM 616577.

Allele frequency attached by ClinVar (database versions not stated): ExAC 0.00001; gnomAD exomes 0.00002; gnomAD 0.00003; TOPMed 0.00004; ESP Exome Variant Server 0.00008.
gnomAD v4.1: 29 of 1,614,018 alleles (0.0018%); highest among the groups gnomAD compares: Non-Finnish European, 0.0024%; no homozygotes.

Submission:

Labcorp Genetics (formerly Invitae), Labcorp
Classification: Uncertain significance for Microcephaly-intellectual disability-sensorineural hearing loss-epilepsy-abnormal muscle tone syndrome. Last evaluated: 2022-11-03. Review status: criteria provided, single submitter. Criteria: Invitae Variant Classification Sherloc (09022015). Collection method: clinical testing. Allele origin: germline.
Comment: This sequence change replaces methionine, which is neutral and non-polar, with isoleucine, which is neutral and non-polar, at codon 614 of the SPATA5 protein (p.Met614Ile). This variant is present in population databases (rs147630050, gnomAD 0.007%). This variant has not been reported in the literature in individuals affected with SPATA5-related conditions. Advanced modeling of protein sequence and biophysical properties (such as structural, functional, and spatial information, amino acid conservation, physicochemical variation, residue mobility, and thermodynamic stability) has been performed at Invitae for this missense variant, however the output from this modeling did not meet the statistical confidence thresholds required to predict the impact of this variant on SPATA5 protein function. In summary, the available evidence is currently insufficient to determine the role of this variant in disease. Therefore, it has been classified as a Variant of Uncertain Significance.